The following is an entry in ClinVar:

NM_001958.5(EEF1A2):c.1196C>A (p.Ala399Glu)

Gene: EEF1A2 (eukaryotic translation elongation factor 1 alpha 2; minus strand). Cytogenetic location: 20q13.33.
Variant type: single nucleotide variant.
Coding change: c.1196C>A on transcript NM_001958.5 (MANE Select); coding-DNA position 1196, C replaced by A.
Protein change: p.Ala399Glu; replaces alanine 399 with glutamic acid.
Molecular consequence: missense variant.
Genome position (GRCh38, 1-based): chr20:63,488,986, G>T on the plus strand (C>A on the coding strand, the complement: EEF1A2 is on the minus strand). VCF-style: chr20-63488986-G-T. GRCh37 (hg19) VCF-style: chr20-62120339-G-T.
Other names: short protein forms A399E.
Identifiers: ClinVar variation 968763 (VCV000968763.10), dbSNP rs2082366097, ClinGen allele CA409644324.

ClinVar aggregate classification (germline): Uncertain significance (1 of 4 stars; one submission).

Conditions:
Developmental and epileptic encephalopathy, 33 (DEE33). Also called: Epileptic encephalopathy, early infantile, 33. Identifiers: Orphanet 442835, MedGen C4225337, MONDO:0014625, OMIM 616409.

Submission:

Labcorp Genetics (formerly Invitae), Labcorp
Classification: Uncertain significance for Developmental and epileptic encephalopathy, 33. Last evaluated: 2025-05-07. Review status: criteria provided, single submitter. Criteria: Invitae Variant Classification Sherloc (09022015). Collection method: clinical testing. Allele origin: germline.
Comment: This sequence change replaces alanine, which is neutral and non-polar, with glutamic acid, which is acidic and polar, at codon 399 of the EEF1A2 protein (p.Ala399Glu). This variant is not present in population databases (gnomAD no frequency). This missense change has been observed in individual(s) with clinical features of developmental and epileptic encephalopathy (internal data). ClinVar contains an entry for this variant (Variation ID: 968763). Invitae Evidence Modeling of protein sequence and biophysical properties (such as structural, functional, and spatial information, amino acid conservation, physicochemical variation, residue mobility, and thermodynamic stability) indicates that this missense variant is not expected to disrupt EEF1A2 protein function with a negative predictive value of 80%. In summary, the available evidence is currently insufficient to determine the role of this variant in disease. Therefore, it has been classified as a Variant of Uncertain Significance.